The following is an entry in ClinVar:

NM_005045.4(RELN):c.86A>G (p.Tyr29Cys)

Gene: RELN (reelin; minus strand). Cytogenetic location: 7q22.1.
Variant type: single nucleotide variant.
Coding change: c.86A>G on transcript NM_005045.4 (MANE Select); coding-DNA position 86, A replaced by G.
Protein change: p.Tyr29Cys; replaces tyrosine 29 with cysteine.
Molecular consequence: missense variant.
Genome position (GRCh38, 1-based): chr7:103,989,271, T>C on the plus strand (A>G on the coding strand, the complement: RELN is on the minus strand). VCF-style: chr7-103989271-T-C. GRCh37 (hg19) VCF-style: chr7-103629718-T-C.
Other names: c.86A>G, p.Tyr29Cys (NM_173054.3); short protein forms Y29C.
Identifiers: ClinVar variation 3629848 (VCV003629848.2).

ClinVar aggregate classification (germline): Conflicting classifications of pathogenicity. Review status: criteria provided, conflicting classifications (1 of 4 stars). 2 submissions from 2 submitters: Uncertain significance (1); Likely benign (1). Last evaluated 2025-03-27.

Conditions:
Norman-Roberts syndrome (LIS2). Also called: Lissencephaly 2 (Norman-Roberts type). Identifiers: Orphanet 89844, MedGen C0796089, MONDO:0009760, OMIM 257320.
Familial temporal lobe epilepsy 7. Identifiers: Orphanet 101046, MedGen C4225327, MONDO:0014639, OMIM 616436.

gnomAD v4.1: 4 of 1,613,392 alleles (0.00025%); highest among the groups gnomAD compares: Non-Finnish European, 0.00025%; no homozygotes.

Submissions (2):

Labcorp Genetics (formerly Invitae), Labcorp
Classification: Likely benign for Familial temporal lobe epilepsy 7; Norman-Roberts syndrome. Last evaluated: 2025-03-27. Review status: criteria provided, single submitter. Criteria: Invitae Variant Classification Sherloc (09022015). Collection method: clinical testing. Allele origin: germline.

Women's Health and Genetics/Laboratory Corporation of America, LabCorp
Classification: Uncertain significance. Last evaluated: 2024-11-04. Review status: criteria provided, single submitter. Criteria: LabCorp Variant Classification Summary - May 2015. Collection method: clinical testing. Allele origin: germline.
Comment: Variant summary: RELN c.86A>G (p.Tyr29Cys) results in a non-conservative amino acid change located in the Reeler domain (IPR002861) of the encoded protein sequence. Three of five in-silico tools predict a benign effect of the variant on protein function. The variant allele was found at a frequency of 8.1e-06 in 248168 control chromosomes. The available data on variant occurrences in the general population are insufficient to allow any conclusion about variant significance. To our knowledge, no occurrence of c.86A>G in individuals affected with Epilepsy Familial Temporal Lobe 7 and no experimental evidence demonstrating its impact on protein function have been reported. No submitters have cited clinical-significance assessments for this variant to ClinVar. Based on the evidence outlined above, the variant was classified as uncertain significance.